The following is an entry in ClinVar:

ClinVar aggregate classification (germline): Uncertain significance (1 of 4 stars; one submission).

Conditions:
Hereditary cancer-predisposing syndrome. Also called: Hereditary neoplastic syndrome; Neoplastic Syndromes, Hereditary; Tumor predisposition; Hereditary Cancer Syndrome. Identifiers: Orphanet 140162, MedGen C0027672, MeSH D009386, MONDO:0015356.

Submission:

Ambry Genetics
Classification: Uncertain significance for Hereditary cancer-predisposing syndrome. Last evaluated: 2025-03-10. Review status: criteria provided, single submitter. Criteria: Ambry Variant Classification Scheme 2023. Collection method: clinical testing. Allele origin: germline.
Comment: The p.Q34R variant (also known as c.101A>G), located in coding exon 1 of the DICER1 gene, results from an A to G substitution at nucleotide position 101. The glutamine at codon 34 is replaced by arginine, an amino acid with highly similar properties. This amino acid position is conserved. In addition, the in silico prediction for this alteration is inconclusive. Based on the available evidence, the clinical significance of this variant remains unclear.

NM_177438.3(DICER1):c.101A>G (p.Gln34Arg)

Gene: DICER1 (dicer 1, ribonuclease III; minus strand). Cytogenetic location: 14q32.13.
Variant type: single nucleotide variant.
Coding change: c.101A>G on transcript NM_177438.3 (MANE Select); coding-DNA position 101, A replaced by G.
Protein change: p.Gln34Arg; replaces glutamine 34 with arginine.
Molecular consequence: missense variant. On other transcripts: 5 prime UTR variant (8), non-coding transcript variant (6), intron variant (1).
Genome position (GRCh38, 1-based): chr14:95,133,358, T>C on the plus strand (A>G on the coding strand, the complement: DICER1 is on the minus strand). VCF-style: chr14-95133358-T-C. GRCh37 (hg19) VCF-style: chr14-95599695-T-C.
Other names: c.101A>G, p.Gln34Arg (NM_001195573.1, NM_001271282.3, NM_001291628.2 and 14 more transcripts); c.-174A>G (NM_001395686.1, NM_001395688.1, NM_001395689.1 and 3 more transcripts); c.-358A>G (NM_001395691.1); c.-1468A>G (NM_001395697.1); c.-130-681A>G (NM_001395687.1); short protein forms Q34R.
Identifiers: ClinVar variation 3840059 (VCV003840059.1).